The following is an entry in ClinVar:

NM_001267550.2(TTN):c.75234_75240delinsTCTTCATTCT (p.Glu25078_Arg25080delinsAspLeuHisSer)

Genes: TTN (titin; minus strand), TTN-AS1 (TTN antisense RNA 1; plus strand). Cytogenetic location: 2q31.2.
Variant type: Indel.
Coding change: c.75234_75240delinsTCTTCATTCT on transcript NM_001267550.2 (MANE Select); coding-DNA positions 75234 to 75240, GTTCCGG replaced by TCTTCATTCT.
Protein change: p.Glu25078_Arg25080delinsAspLeuHisSer.
Molecular consequence: inframe indel.
Genome position (GRCh38, 1-based): chr2:178,570,892-178,570,898, CCGGAAC replaced by AGAATGAAGA on the plus strand (GTTCCGG replaced by TCTTCATTCT on the coding strand, the reverse complement: TTN is on the minus strand). VCF-style: chr2-178570892-CCGGAAC-AGAATGAAGA. GRCh37 (hg19) VCF-style: chr2-179435619-CCGGAAC-AGAATGAAGA.
Other names: c.70311_70317delinsTCTTCATTCT, p.Glu23437_Arg23439delinsAspLeuHisSer (NM_001256850.1); c.48039_48045delinsTCTTCATTCT, p.Glu16013_Arg16015delinsAspLeuHisSer (NM_003319.4); c.67530_67536delinsTCTTCATTCT, p.Glu22510_Arg22512delinsAspLeuHisSer (NM_133378.4); c.48414_48420delinsTCTTCATTCT, p.Glu16138_Arg16140delinsAspLeuHisSer (NM_133432.3); c.48615_48621delinsTCTTCATTCT, p.Glu16205_Arg16207delinsAspLeuHisSer (NM_133437.4); c.48039_48045delGTTCCGGinsTCTTCATTCT (NM_003319.4).
Identifiers: ClinVar variation 3464254 (VCV003464254.1).

ClinVar aggregate classification (germline): Uncertain significance (1 of 4 stars; one submission).

Conditions:
Cardiovascular phenotype. Identifiers: MedGen CN230736.

Submission:

Ambry Genetics
Classification: Uncertain significance for Cardiovascular phenotype. Last evaluated: 2024-12-02. Review status: criteria provided, single submitter. Criteria: Ambry Variant Classification Scheme 2023. Collection method: clinical testing. Allele origin: germline.
Comment: The c.48039_48045delGTTCCGGins10 variant, located in coding exon 153 of the TTN gene, results from an in-frame deletion of GTTCCGG and insertion of TCTTCATTCT at nucleotide positions 48039 to 48045. This results in the substitution of the residues at codons 16013 to 16015. This amino acid positions are highly conserved in available vertebrate species. In addition, this alteration is predicted to be deleterious by in silico analysis (Choi Y et al. PLoS ONE. 2012; 7(10):e46688). Based on the available evidence, the clinical significance of this variant remains unclear.